The following is an entry in ClinVar:

NM_001287491.2(TET3):c.737G>A (p.Cys246Tyr)

Gene: TET3 (tet methylcytosine dioxygenase 3; plus strand). Cytogenetic location: 2p13.1.
Variant type: single nucleotide variant.
Coding change: c.737G>A on transcript NM_001287491.2 (MANE Select); coding-DNA position 737, G replaced by A.
Protein change: p.Cys246Tyr; replaces cysteine 246 with tyrosine.
Molecular consequence: missense variant.
Genome position (GRCh38, 1-based): chr2:74,046,654, G>A. VCF-style: chr2-74046654-G-A. GRCh37 (hg19) VCF-style: chr2-74273781-G-A.
Other names: c.458G>A, p.Cys153Tyr (NM_001366022.1); short protein forms C153Y, C246Y.
Identifiers: ClinVar variation 1029300 (VCV001029300.1), dbSNP rs759918574, ClinGen allele CA50460678.
Genomic context (GRCh38, chr2:74,046,654, plus strand): 5'-GTGAGATGAGTCGTGAGGCTGGGAACAACAGCAGGGGACCCCGGCCAGGGCCTGAGGGCT[G>A]CTCTGCTGGCAGCGAAGACCTTGACACACTGCAGACGGCCCTGGCCCTCGCGCGGCATGG-3'
Protein context (NP_001274420.1, residues 236-256): SRGPRPGPEG[Cys246Tyr]SAGSEDLDTL

ClinVar aggregate classification (germline): Uncertain significance (1 of 4 stars; one submission).

Conditions:
Beck-Fahrner syndrome (BEFAHRS). Identifiers: Orphanet 684216, MedGen C5394097, MONDO:0032922, OMIM 618798.

Allele frequency attached by ClinVar (database versions not stated): gnomAD 0.00001; TOPMed below 0.00001.

Submission:

Baylor Genetics
Classification: Uncertain significance for Beck-Fahrner syndrome. Last evaluated: 2020-07-28. Review status: criteria provided, single submitter. Criteria: ACMG Guidelines, 2015. Collection method: clinical testing. Allele origin: unknown. Affected: yes.
Comment: This variant was determined to be of uncertain significance according to ACMG Guidelines, 2015 [PMID:25741868].